The following is an entry in ClinVar:

NM_005219.5(DIAPH1):c.1339G>A (p.Gly447Arg)

Gene: DIAPH1 (diaphanous related formin 1; minus strand). Cytogenetic location: 5q31.3.
Variant type: single nucleotide variant.
Coding change: c.1339G>A on transcript NM_005219.5 (MANE Select); coding-DNA position 1339, G replaced by A.
Protein change: p.Gly447Arg; replaces glycine 447 with arginine.
Molecular consequence: missense variant.
Genome position (GRCh38, 1-based): chr5:141,576,813, C>T on the plus strand (G>A on the coding strand, the complement: DIAPH1 is on the minus strand). VCF-style: chr5-141576813-C-T. GRCh37 (hg19) VCF-style: chr5-140956380-C-T.
Other names: c.1312G>A, p.Gly438Arg (NM_001079812.3); c.1339G>A, p.Gly447Arg (NM_001314007.2); short protein forms G438R, G447R.
Identifiers: ClinVar variation 813539 (VCV000813539.11), dbSNP rs779687295, ClinGen allele CA3479326.
Genomic context (GRCh38, chr5:141,576,813, plus strand): 5'-TACCAATTAATCCCTCAATCTCAATCTGGAGGTGCCGGCACTTGAAGTCAGGATCAGCCC[C>T]GTTCTTGTGCAGAACTATCTGGGAAATACATTCTTCAATCAACTTATAGTACTGAGGTCT-3'
Protein context (NP_005210.3, residues 437-457): CISQIVLHKN[Gly447Arg]ADPDFKCRHL

ClinVar aggregate classification (germline): Uncertain significance. Review status: criteria provided, multiple submitters, no conflicts (2 of 4 stars). 3 submissions from 3 submitters: Uncertain significance (2). 1 of the submissions does not count toward it. Last evaluated 2025-07-13.

Conditions:
Progressive microcephaly-seizures-cortical blindness-developmental delay syndrome. Also called: Seizures, cortical blindness, and microcephaly syndrome. Identifiers: Orphanet 477814, MedGen C5567650, MONDO:0014714, OMIM 616632.
Autosomal dominant nonsyndromic hearing loss 1. Also called: DEAFNESS, AUTOSOMAL DOMINANT 1, WITH OR WITHOUT THROMBOCYTOPENIA; KONIGSMARK SYNDROME. Identifiers: Orphanet 90635, MedGen C1852282, MONDO:0007424, OMIM 124900.
Microcephaly. Also called: Microcephaly (disease). Identifiers: MedGen C4551563, MONDO:0001149, HP:0000252.

Allele frequency attached by ClinVar (database versions not stated): gnomAD 0.00001 and 0.00002; gnomAD exomes 0.00001 and 0.00002; TOPMed 0.00001; ExAC 0.00002.
gnomAD v4.1: 12 of 1,613,916 alleles (0.00074%); highest among the groups gnomAD compares: East Asian, 0.016%; no homozygotes.

Submissions (3):

Labcorp Genetics (formerly Invitae), Labcorp
Classification: Uncertain significance for Progressive microcephaly-seizures-cortical blindness-developmental delay syndrome; Autosomal dominant nonsyndromic hearing loss 1. Last evaluated: 2025-07-13. Review status: criteria provided, single submitter. Criteria: Invitae Variant Classification Sherloc (09022015). Collection method: clinical testing. Allele origin: germline.
Comment: This sequence change replaces glycine, which is neutral and non-polar, with arginine, which is basic and polar, at codon 447 of the DIAPH1 protein (p.Gly447Arg). The frequency data for this variant in the population databases is considered unreliable, as metrics indicate poor data quality at this position in the gnomAD database. This missense change has been observed in individual(s) with deafness (PMID: 34515852). ClinVar contains an entry for this variant (Variation ID: 813539). Experimental studies and prediction algorithms are not available or were not evaluated, and the functional significance of this variant is currently unknown. In summary, the available evidence is currently insufficient to determine the role of this variant in disease. Therefore, it has been classified as a Variant of Uncertain Significance.

GeneDx
Classification: Uncertain significance. Last evaluated: 2024-10-31. Review status: criteria provided, single submitter. Criteria: GeneDx Variant Classification Process June 2021. Collection method: clinical testing. Allele origin: germline. Affected: yes.
Comment: Reported in a patient with bilateral profound hearing loss in published literature who also harbored variants in other genes (PMID: 34515852); In silico analysis supports that this missense variant has a deleterious effect on protein structure/function; This variant is associated with the following publications: (PMID: 34515852)

Department of Pediatrics, Samsung Medical Center, Samsung Medical Center
Classification: Uncertain significance for Microcephaly. Review status: no assertion criteria provided. Criteria: ACMG Guidelines, 2015. Collection method: research. Allele origin: germline. Affected: yes. Not counted in ClinVar's aggregate classification.

Literature cited by the submitters: PubMed 34515852 (cited by Labcorp Genetics (formerly Invitae), Labcorp).